The following is an entry in ClinVar:

ClinVar aggregate classification (germline): Benign/Likely benign. Review status: criteria provided, multiple submitters, no conflicts (2 of 4 stars). 5 submissions from 5 submitters: Benign (2); Likely benign (3). Last evaluated 2026-01-13.

Conditions:
Early-infantile DEE. Also called: Early infantile epileptic encephalopathy; Ohtahara syndrome; Early infantile epileptic encephalopathy with suppression bursts. Identifiers: Orphanet 1934, MedGen C0393706, MONDO:0800491.
Inborn genetic diseases. Identifiers: MedGen C0950123, MeSH D030342.

Allele frequency attached by ClinVar (database versions not stated): gnomAD exomes 0.00003 and 0.00008; ExAC 0.00015; ESP Exome Variant Server 0.00031; gnomAD 0.00034 and 0.00038; TOPMed 0.00034.
gnomAD v4.1: 92 of 1,613,694 alleles (0.0057%); highest among the groups gnomAD compares: African/African-American, 0.11%; no homozygotes.

Submissions (5):

Labcorp Genetics (formerly Invitae), Labcorp
Classification: Benign for Early-infantile DEE. Last evaluated: 2026-01-13. Review status: criteria provided, single submitter. Criteria: Invitae Variant Classification Sherloc (09022015). Collection method: clinical testing. Allele origin: germline.

CeGaT Center for Human Genetics Tuebingen
Classification: Likely benign. Last evaluated: 2025-07-01. Review status: criteria provided, single submitter. Criteria: CeGaT Center For Human Genetics Tuebingen Variant Classification Criteria Version 2. Collection method: clinical testing. Allele origin: germline. Affected: yes. Observed: 1 variant allele.
Comment: HCN1: BP4, BP7

Blueprint Genetics
Classification: Likely benign. Last evaluated: 2024-04-11. Review status: criteria provided, single submitter. Criteria: ACMG Guidelines, 2015. Collection method: clinical testing. Allele origin: germline.

Ambry Genetics
Classification: Benign for Inborn genetic diseases. Last evaluated: 2020-01-06. Review status: criteria provided, single submitter. Criteria: Ambry Variant Classification Scheme 2023. Collection method: clinical testing. Allele origin: germline.

Eurofins Ntd Llc (ga)
Classification: Likely benign. Last evaluated: 2018-07-03. Review status: criteria provided, single submitter. Criteria: EGL ClinVar v180209 classification definitions. Collection method: clinical testing. Allele origin: germline. Observed: 1 variant allele, 1 heterozygote.

NM_021072.4(HCN1):c.1710C>T (p.Asn570=)

Gene: HCN1 (hyperpolarization activated cyclic nucleotide gated potassium channel 1; minus strand). Cytogenetic location: 5p12.
Variant type: single nucleotide variant.
Coding change: c.1710C>T on transcript NM_021072.4 (MANE Select); coding-DNA position 1710, C replaced by T.
Protein change: p.Asn570=; no amino-acid change (asparagine 570 retained).
Molecular consequence: synonymous variant.
Genome position (GRCh38, 1-based): chr5:45,267,162, G>A on the plus strand (C>T on the coding strand, the complement: HCN1 is on the minus strand). VCF-style: chr5-45267162-G-A. GRCh37 (hg19) VCF-style: chr5-45267264-G-A.
Identifiers: ClinVar variation 461363 (VCV000461363.27), dbSNP rs141455774, ClinGen allele CA3259239.